The following is an entry in ClinVar:

NM_024675.4(PALB2):c.3043A>G (p.Thr1015Ala)

Gene: PALB2 (partner and localizer of BRCA2; minus strand). Cytogenetic location: 16p12.2.
Variant type: single nucleotide variant.
Coding change: c.3043A>G on transcript NM_024675.4 (MANE Select); coding-DNA position 3043, A replaced by G.
Protein change: p.Thr1015Ala; replaces threonine 1015 with alanine.
Molecular consequence: missense variant. On other transcripts: intron variant (1).
Genome position (GRCh38, 1-based): chr16:23,621,432, T>C on the plus strand (A>G on the coding strand, the complement: PALB2 is on the minus strand). VCF-style: chr16-23621432-T-C. GRCh37 (hg19) VCF-style: chr16-23632753-T-C.
Other names: c.2983A>G, p.Thr995Ala (NM_001407296.1); c.2971A>G, p.Thr991Ala (NM_001407297.1); c.2881A>G, p.Thr961Ala (NM_001407298.1, NM_001407302.1); c.3043A>G, p.Thr1015Ala (NM_001407299.1, NM_001407301.1); c.2158A>G, p.Thr720Ala (NM_001407304.1, NM_001407305.1, NM_001407306.1 and 4 more transcripts); c.1996A>G, p.Thr666Ala (NM_001407307.1); c.1255A>G, p.Thr419Ala (NM_001407312.1, NM_001407313.1); c.577A>G, p.Thr193Ala (NM_001407314.1); and 1 more; short protein forms T193A, T419A, T961A, T666A, T995A, T1015A, T720A, T991A.
Identifiers: ClinVar variation 3885186 (VCV003885186.1).

ClinVar aggregate classification (germline): Uncertain significance (1 of 4 stars; one submission).

Conditions:
Hereditary cancer-predisposing syndrome. Also called: Tumor predisposition; Neoplastic Syndromes, Hereditary; Hereditary Cancer Syndrome; Hereditary neoplastic syndrome. Identifiers: Orphanet 140162, MedGen C0027672, MeSH D009386, MONDO:0015356.

Submission:

Ambry Genetics
Classification: Uncertain significance for Hereditary cancer-predisposing syndrome. Last evaluated: 2024-12-15. Review status: criteria provided, single submitter. Criteria: Ambry Variant Classification Scheme 2023. Collection method: clinical testing. Allele origin: germline.
Comment: The p.T1015A variant (also known as c.3043A>G), located in coding exon 10 of the PALB2 gene, results from an A to G substitution at nucleotide position 3043. The threonine at codon 1015 is replaced by alanine, an amino acid with similar properties. This amino acid position is conserved. In addition, this alteration is predicted to be tolerated by in silico analysis. Based on the available evidence, the clinical significance of this variant remains unclear.